The following is an entry in ClinVar:

ClinVar aggregate classification (germline): Uncertain significance. Review status: criteria provided, multiple submitters, no conflicts (2 of 4 stars). 2 submissions from 2 submitters: Uncertain significance (2). Last evaluated 2024-08-19.

Allele frequency attached by ClinVar (database versions not stated): gnomAD exomes 0.00001.
gnomAD v4.1: 3 of 1,611,886 alleles (0.00019%); highest among the groups gnomAD compares: Non-Finnish European, 0.00025%; no homozygotes.

Submissions (2):

Blueprint Genetics
Classification: Uncertain significance. Last evaluated: 2024-08-19. Review status: criteria provided, single submitter. Criteria: ACMG Guidelines, 2015. Collection method: clinical testing. Allele origin: germline.

Labcorp Genetics (formerly Invitae), Labcorp
Classification: Uncertain significance. Last evaluated: 2022-05-17. Review status: criteria provided, single submitter. Criteria: Invitae Variant Classification Sherloc (09022015). Collection method: clinical testing. Allele origin: germline.
Comment: This sequence change replaces glutamic acid, which is acidic and polar, with aspartic acid, which is acidic and polar, at codon 309 of the FAT4 protein (p.Glu309Asp). This variant is present in population databases (no rsID available, gnomAD 0.002%). This variant has not been reported in the literature in individuals affected with FAT4-related conditions. Advanced modeling of protein sequence and biophysical properties (such as structural, functional, and spatial information, amino acid conservation, physicochemical variation, residue mobility, and thermodynamic stability) performed at Invitae indicates that this missense variant is not expected to disrupt FAT4 protein function. In summary, the available evidence is currently insufficient to determine the role of this variant in disease. Therefore, it has been classified as a Variant of Uncertain Significance.

NM_001291303.3(FAT4):c.927G>T (p.Glu309Asp)

Gene: FAT4 (FAT atypical cadherin 4; plus strand). Cytogenetic location: 4q28.1.
Variant type: single nucleotide variant.
Coding change: c.927G>T on transcript NM_001291303.3 (MANE Select); coding-DNA position 927, G replaced by T.
Protein change: p.Glu309Asp; replaces glutamic acid 309 with aspartic acid.
Molecular consequence: missense variant.
Genome position (GRCh38, 1-based): chr4:125,317,338, G>T. VCF-style: chr4-125317338-G-T. GRCh37 (hg19) VCF-style: chr4-126238493-G-T.
Other names: c.927G>T, p.Glu309Asp (NM_001291285.3, NM_024582.6); short protein forms E309D.
Identifiers: ClinVar variation 2114227 (VCV002114227.2), dbSNP rs1208591948, ClinGen allele CA358116828.